The following is an entry in ClinVar:

NM_003809.3(TNFSF12):c.185C>T (p.Ala62Val)

Genes: TNFSF12 (TNF superfamily member 12; plus strand), TNFSF12-TNFSF13 (TNFSF12-TNFSF13 readthrough; plus strand). Cytogenetic location: 17p13.1.
Variant type: single nucleotide variant.
Coding change: c.185C>T on transcript NM_003809.3 (MANE Select); coding-DNA position 185, C replaced by T.
Protein change: p.Ala62Val; replaces alanine 62 with valine.
Molecular consequence: missense variant. On other transcripts: non-coding transcript variant (1).
Genome position (GRCh38, 1-based): chr17:7,549,499, C>T. VCF-style: chr17-7549499-C-T. GRCh37 (hg19) VCF-style: chr17-7452816-C-T.
Other names: c.185C>T, p.Ala62Val (NM_172089.4); short protein forms A62V.
Identifiers: ClinVar variation 3706334 (VCV003706334.2).

ClinVar aggregate classification (germline): Uncertain significance (1 of 4 stars; one submission).

Conditions:
Common variable immunodeficiency (CVID). Also called: Common variable hypogamma-globulinemia; Common variable agammaglobulinemia. Identifiers: Orphanet 1572, MedGen C0009447, MONDO:0015517.

gnomAD v4.1: 2 of 1,548,834 alleles (0.00013%); highest among the groups gnomAD compares: Admixed American, 0.0039%; no homozygotes.

Submission:

Labcorp Genetics (formerly Invitae), Labcorp
Classification: Uncertain significance for Common variable immunodeficiency. Last evaluated: 2024-11-19. Review status: criteria provided, single submitter. Criteria: Invitae Variant Classification Sherloc (09022015). Collection method: clinical testing. Allele origin: germline.
Comment: This sequence change replaces alanine, which is neutral and non-polar, with valine, which is neutral and non-polar, at codon 62 of the TNFSF12 protein (p.Ala62Val). The frequency data for this variant in the population databases is considered unreliable, as metrics indicate poor data quality at this position in the gnomAD database. This variant has not been reported in the literature in individuals affected with TNFSF12-related conditions. An algorithm developed to predict the effect of missense changes on protein structure and function (PolyPhen-2) suggests that this variant is likely to be disruptive. In summary, the available evidence is currently insufficient to determine the role of this variant in disease. Therefore, it has been classified as a Variant of Uncertain Significance.